The following is an entry in ClinVar:

ClinVar aggregate classification (germline): Uncertain significance (1 of 4 stars; one submission).

Conditions:
GNAS-related disorder. Identifiers: MedGen CN380105.

gnomAD v4.1: 2 of 1,612,792 alleles (0.00012%); highest among the groups gnomAD compares: South Asian, 0.0011%; no homozygotes.

Submission:

PreventionGenetics, part of Exact Sciences
Classification: Uncertain significance for GNAS-related condition. Last evaluated: 2023-02-27. Review status: criteria provided, single submitter. Criteria: ACMG Guidelines, 2015. Collection method: clinical testing. Allele origin: germline.
Comment: The GNAS c.720C>G variant is predicted to result in the amino acid substitution p.Ile240Met. To our knowledge, this variant has not been reported in the literature or in a large population database, indicating this variant is rare. At this time, the clinical significance of this variant is uncertain due to the absence of conclusive functional and genetic evidence.

NM_016592.5(GNAS):c.720C>G (p.Ile240Met)

Genes: GNAS (GNAS complex locus; plus strand), GNAS-AS1 (GNAS antisense RNA 1; minus strand). Cytogenetic location: 20q13.32.
Variant type: single nucleotide variant.
Coding change: c.720C>G on transcript NM_016592.5 (MANE Plus Clinical); coding-DNA position 720, C replaced by G.
Protein change: p.Ile240Met; replaces isoleucine 240 with methionine.
Molecular consequence: missense variant. On other transcripts: 5 prime UTR variant (1).
Genome position (GRCh38, 1-based): chr20:58,840,826, C>G. VCF-style: chr20-58840826-C-G. GRCh37 (hg19) VCF-style: chr20-57415881-C-G.
Other names: c.-18C>G (NM_001410912.1); short protein forms I240M.
Identifiers: ClinVar variation 2630439 (VCV002630439.1), dbSNP rs112322423, ClinGen allele CA9926391.